The following is an entry in ClinVar:

ClinVar aggregate classification (germline): Uncertain significance (1 of 4 stars; one submission).

Conditions:
Pitt-Hopkins syndrome (PTHS). Also called: ENCEPHALOPATHY, SEVERE EPILEPTIC, WITH AUTONOMIC DYSFUNCTION; MENTAL RETARDATION, SYNDROMAL, WITH INTERMITTENT HYPERVENTILATION. Identifiers: Orphanet 2896, MedGen C1970431, MONDO:0012589, OMIM 610954.

Allele frequency attached by ClinVar (database versions not stated): ExAC 0.00001; gnomAD exomes 0.00001.
gnomAD v4.1: 19 of 1,613,840 alleles (0.0012%); highest among the groups gnomAD compares: Non-Finnish European, 0.0015%; no homozygotes.

Submission:

Labcorp Genetics (formerly Invitae), Labcorp
Classification: Uncertain significance for Pitt-Hopkins syndrome. Last evaluated: 2024-04-15. Review status: criteria provided, single submitter. Criteria: Invitae Variant Classification Sherloc (09022015). Collection method: clinical testing. Allele origin: germline.
Comment: This sequence change falls in intron 9 of the TCF4 gene. It does not directly change the encoded amino acid sequence of the TCF4 protein. It affects a nucleotide within the consensus splice site. This variant is present in population databases (rs748830832, gnomAD 0.004%). This variant has not been reported in the literature in individuals affected with TCF4-related conditions. ClinVar contains an entry for this variant (Variation ID: 468960). Variants that disrupt the consensus splice site are a relatively common cause of aberrant splicing (PMID: 17576681, 9536098). Algorithms developed to predict the effect of sequence changes on RNA splicing suggest that this variant is not likely to affect RNA splicing. In summary, the available evidence is currently insufficient to determine the role of this variant in disease. Therefore, it has been classified as a Variant of Uncertain Significance.

Literature cited by the submitters: PubMed 17576681; PubMed 9536098.

NM_001083962.2(TCF4):c.655+4A>T

Gene: TCF4 (transcription factor 4; minus strand). Cytogenetic location: 18q21.2.
Variant type: single nucleotide variant.
Coding change: c.655+4A>T on transcript NM_001083962.2 (MANE Select); 4 bases into the intron after coding-DNA position 655, A replaced by T.
Molecular consequence: intron variant.
Genome position (GRCh38, 1-based): chr18:55,279,547, T>A on the plus strand (A>T on the coding strand, the complement: TCF4 is on the minus strand). VCF-style: chr18-55279547-T-A. GRCh37 (hg19) VCF-style: chr18-52946778-T-A.
Other names: c.961+4A>T (NM_001243226.3); c.580+4A>T (NM_001369584.1, NM_001369576.1, NM_001369585.1 and 3 more transcripts); c.583+4A>T (NM_001369577.1, NM_001369582.1, NM_001243227.2 and 9 more transcripts); c.655+4A>T (NM_001369571.1, NM_001369567.1, NM_001369572.1 and 4 more transcripts); c.673+4A>T (NM_001243228.2); c.649+4A>T (NM_001243230.2); c.652+4A>T (NM_001369569.1, NM_001369573.1, NM_001369570.1); c.529+4A>T (NM_001243231.2, NM_001348211.2); and 4 more.
Identifiers: ClinVar variation 468960 (VCV000468960.6), dbSNP rs748830832, ClinGen allele CA8970439.